The following is an entry in ClinVar:

ClinVar aggregate classification (germline): Uncertain significance. Review status: criteria provided, multiple submitters, no conflicts (2 of 4 stars). 6 submissions from 6 submitters: Uncertain significance (5). 1 of the submissions does not count toward it. Last evaluated 2025-07-27.

Conditions:
Cardiovascular phenotype. Identifiers: MedGen CN230736.
Cardiomyopathy (CMYO). Also called: Cardiomyopathies. Identifiers: Orphanet 167848, MedGen C0878544, MONDO:0004994, HP:0001638. Inheritance: Various modes of inheritance.
Becker muscular dystrophy (BMD). Also called: MUSCULAR DYSTROPHY, PSEUDOHYPERTROPHIC PROGRESSIVE, BECKER TYPE; Becker Muscular Dystrophy (BMD). Identifiers: Orphanet 98895, MedGen C0917713, MONDO:0010311, OMIM 300376.
Duchenne muscular dystrophy (DMD). Also called: Duchenne Muscular Dystrophy (DMD); MUSCULAR DYSTROPHY, PSEUDOHYPERTROPHIC PROGRESSIVE, DUCHENNE TYPE. Identifiers: Orphanet 98896, MedGen C0013264, MONDO:0010679, OMIM 310200.
Dystrophin deficiency.
Dilated cardiomyopathy 3B (CMD3B). Also called: CMD3B: DMD-Related Dilated Cardiomyopathy; CARDIOMYOPATHY, DILATED, X-LINKED; DMD-Associated Dilated Cardiomyopathy. Identifiers: Orphanet 154, MedGen C3668940, MONDO:0010542, OMIM 302045.

gnomAD v4.1: 4 of 1,211,286 alleles (0.00033%); highest among the groups gnomAD compares: Non-Finnish European, 0.00045%; no homozygotes.

Submissions (6):

Labcorp Genetics (formerly Invitae), Labcorp
Classification: Uncertain significance for Duchenne muscular dystrophy. Last evaluated: 2025-07-27. Review status: criteria provided, single submitter. Criteria: Invitae Variant Classification Sherloc (09022015). Collection method: clinical testing. Allele origin: germline.
Comment: This sequence change replaces aspartic acid, which is acidic and polar, with glycine, which is neutral and non-polar, at codon 2717 of the DMD protein (p.Asp2717Gly). This variant is not present in population databases (gnomAD no frequency). This variant has not been reported in the literature in individuals affected with DMD-related conditions. ClinVar contains an entry for this variant (Variation ID: 285966). Invitae Evidence Modeling of protein sequence and biophysical properties (such as structural, functional, and spatial information, amino acid conservation, physicochemical variation, residue mobility, and thermodynamic stability) indicates that this missense variant is not expected to disrupt DMD protein function with a negative predictive value of 95%. In summary, the available evidence is currently insufficient to determine the role of this variant in disease. Therefore, it has been classified as a Variant of Uncertain Significance.

Revvity Omics, Revvity
Classification: Uncertain significance. Last evaluated: 2024-07-25. Review status: criteria provided, single submitter. Criteria: ACMG Guidelines, 2015. Collection method: clinical testing. Allele origin: germline.

Ambry Genetics
Classification: Uncertain significance for Cardiovascular phenotype. Last evaluated: 2023-10-31. Review status: criteria provided, single submitter. Criteria: Ambry Variant Classification Scheme 2023. Collection method: clinical testing. Allele origin: germline.
Comment: The p.D2717G variant (also known as c.8150A>G), located in coding exon 55 of the DMD gene, results from an A to G substitution at nucleotide position 8150. The aspartic acid at codon 2717 is replaced by glycine, an amino acid with similar properties. This amino acid position is highly conserved in available vertebrate species. In addition, this alteration is predicted to be deleterious by in silico analysis. Since supporting evidence is limited at this time, the clinical significance of this alteration remains unclear.

Fulgent Genetics
Classification: Uncertain significance for Becker muscular dystrophy; Dilated cardiomyopathy 3B; Duchenne muscular dystrophy. Last evaluated: 2021-07-28. Review status: criteria provided, single submitter. Criteria: ACMG Guidelines, 2015. Collection method: clinical testing. Allele origin: unknown.

Eurofins Ntd Llc (ga)
Classification: Uncertain significance. Last evaluated: 2016-02-19. Review status: criteria provided, single submitter. Criteria: EGL Classification Definitions 2015. Collection method: clinical testing. Allele origin: germline. Observed: 2 variant alleles, 1 heterozygote, 1 hemizygote.

Natera, Inc.
Classification: Uncertain significance for Becker muscular dystrophy; Cardiomyopathy; Duchenne muscular dystrophy; Dystrophin deficiency. Last evaluated: 2020-07-10. Review status: no assertion criteria provided. Collection method: clinical testing. Allele origin: germline. Not counted in ClinVar's aggregate classification.

NM_004006.3(DMD):c.8150A>G (p.Asp2717Gly)

Gene: DMD (dystrophin; minus strand). Cytogenetic location: Xp21.1.
Variant type: single nucleotide variant.
Coding change: c.8150A>G on transcript NM_004006.3 (MANE Select); coding-DNA position 8150, A replaced by G.
Protein change: p.Asp2717Gly; replaces aspartic acid 2717 with glycine.
Molecular consequence: missense variant.
Genome position (GRCh38, 1-based): chrX:31,627,740, T>C on the plus strand (A>G on the coding strand, the complement: DMD is on the minus strand). VCF-style: chrX-31627740-T-C. GRCh37 (hg19) VCF-style: chrX-31645857-T-C.
Other names: c.8126A>G, p.Asp2709Gly (NM_000109.4); c.8138A>G, p.Asp2713Gly (NM_004009.3); c.7781A>G, p.Asp2594Gly (NM_004010.3); c.4127A>G, p.Asp1376Gly (NM_004011.4); c.4118A>G, p.Asp1373Gly (NM_004012.4); c.770A>G, p.Asp257Gly (NM_004013.3, NM_004020.4, NM_004021.3 and 2 more transcripts); short protein forms D2717G, D1373G, D2709G, D1376G, D257G, D2594G, D2713G.
Identifiers: ClinVar variation 285966 (VCV000285966.15), dbSNP rs886043271, ClinGen allele CA10605316.